The following is an entry in ClinVar:

NM_001854.4(COL11A1):c.391G>A (p.Val131Ile)

Gene: COL11A1 (collagen type XI alpha 1 chain; minus strand). Cytogenetic location: 1p21.1.
Variant type: single nucleotide variant.
Coding change: c.391G>A on transcript NM_001854.4 (MANE Select); coding-DNA position 391, G replaced by A.
Protein change: p.Val131Ile; replaces valine 131 with isoleucine.
Molecular consequence: missense variant. On other transcripts: non-coding transcript variant (1).
Genome position (GRCh38, 1-based): chr1:103,078,755, C>T on the plus strand (G>A on the coding strand, the complement: COL11A1 is on the minus strand). VCF-style: chr1-103078755-C-T. GRCh37 (hg19) VCF-style: chr1-103544311-C-T.
Other names: c.391G>A, p.Val131Ile (NM_001168249.1, NM_001190709.2, NM_080629.3 and 1 more transcripts); c.391G>A (NM_001854.3); short protein forms V131I.
Identifiers: ClinVar variation 1946611 (VCV001946611.6), dbSNP rs1158320165, ClinGen allele CA341167836.
Genomic context (GRCh38, chr1:103,078,755, plus strand): 5'-AGTCTTCTGGGGCAGGTTTTCCAGTGTGGTCTTCAAACAGAAAAACAGGTGATCTCCCAA[C>T]CTCAACACCAATTTGCTGAATACCATGCTCATTATATATAGATAAAAGGAAAGACTGAAT-3'
Protein context (NP_001845.3, residues 121-141): EHGIQQIGVE[Val131Ile]GRSPVFLFED

ClinVar aggregate classification (germline): Uncertain significance. Review status: criteria provided, multiple submitters, no conflicts (2 of 4 stars). 2 submissions from 2 submitters: Uncertain significance (2). Last evaluated 2025-10-26.

Conditions:
Inborn genetic diseases. Identifiers: MedGen C0950123, MeSH D030342.

gnomAD v4.1: 2 of 1,613,408 alleles (0.00012%); highest among the groups gnomAD compares: Non-Finnish European, 0.00017%; no homozygotes.

Submissions (2):

Labcorp Genetics (formerly Invitae), Labcorp
Classification: Uncertain significance. Last evaluated: 2025-10-26. Review status: criteria provided, single submitter. Criteria: Invitae Variant Classification Sherloc (09022015). Collection method: clinical testing. Allele origin: germline.
Comment: This sequence change replaces valine, which is neutral and non-polar, with isoleucine, which is neutral and non-polar, at codon 131 of the COL11A1 protein (p.Val131Ile). This variant is not present in population databases (gnomAD no frequency). This variant has not been reported in the literature in individuals affected with COL11A1-related conditions. ClinVar contains an entry for this variant (Variation ID: 1946611). Invitae Evidence Modeling of protein sequence and biophysical properties (such as structural, functional, and spatial information, amino acid conservation, physicochemical variation, residue mobility, and thermodynamic stability) indicates that this missense variant is not expected to disrupt COL11A1 protein function with a negative predictive value of 95%. In summary, the available evidence is currently insufficient to determine the role of this variant in disease. Therefore, it has been classified as a Variant of Uncertain Significance.

Ambry Genetics
Classification: Uncertain significance for Inborn genetic diseases. Last evaluated: 2025-01-27. Review status: criteria provided, single submitter. Criteria: Ambry Variant Classification Scheme 2023. Collection method: clinical testing. Allele origin: germline.